The following is an entry in ClinVar:

ClinVar aggregate classification (germline): Benign/Likely benign. Review status: criteria provided, multiple submitters, no conflicts (2 of 4 stars). 8 submissions from 7 submitters: Benign (1); Likely benign (6). 1 of the submissions does not count toward it. Last evaluated 2026-02-01.

Conditions:
REN-related disorder. Also called: REN-related condition.
Kidney disorder. Also called: renal disorder; Nephropathy; Kidney disease; Kidney Diseases; renal disease. Identifiers: MedGen C0022658, MONDO:0005240, HP:0000112.
Familial juvenile hyperuricemic nephropathy type 2 (ADTKD4). Also called: Autosomal Dominant Tubulointerstitial Kidney Disease – REN; EARLY-ONSET HYPERURICEMIA, ANEMIA, AND PROGRESSIVE KIDNEY FAILURE. Identifiers: Orphanet 217330, MedGen C2751310, MONDO:0013128, OMIM 613092.
Renal tubular dysgenesis. Also called: Renotubular dysgenesis. Identifiers: Orphanet 3033, MedGen C0266313, MONDO:0017609, HP:0008660.

Allele frequency attached by ClinVar (database versions not stated): gnomAD exomes 0.00021 and 0.00054; ExAC 0.00068; ESP Exome Variant Server 0.00192; gnomAD 0.00208 and 0.00222; TOPMed 0.00217; 1000 Genomes Project 0.00240; 1000 Genomes Project 30x 0.00312.
gnomAD v4.1: 619 of 1,614,180 alleles (0.038%); highest among the groups gnomAD compares: African/African-American, 0.73%; 1 homozygote.

Submissions (8):

Labcorp Genetics (formerly Invitae), Labcorp
Classification: Likely benign. Last evaluated: 2026-02-01. Review status: criteria provided, single submitter. Criteria: Invitae Variant Classification Sherloc (09022015). Collection method: clinical testing. Allele origin: germline.

Blueprint Genetics
Classification: Likely benign. Last evaluated: 2024-11-13. Review status: criteria provided, single submitter. Criteria: ACMG Guidelines, 2015. Collection method: clinical testing. Allele origin: germline.

Genetic Services Laboratory, University of Chicago
Classification: Likely benign. Last evaluated: 2020-10-23. Review status: criteria provided, single submitter. Criteria: ACMG Guidelines, 2015. Collection method: clinical testing. Allele origin: germline. Affected: no.

Genome Diagnostics Laboratory, The Hospital for Sick Children
Classification: Likely benign for Kidney disorder. Last evaluated: 2018-02-01. Review status: criteria provided, single submitter. Criteria: ACMG Guidelines, 2015. Collection method: clinical testing. Allele origin: germline.

Illumina Laboratory Services, Illumina
Classification: Benign for Familial juvenile hyperuricemic nephropathy type 2. Last evaluated: 2018-01-13. Review status: criteria provided, single submitter. Criteria: ICSL Variant Classification Criteria 13 December 2019. Collection method: clinical testing. Allele origin: germline.
Comment: This variant was observed in the ICSL laboratory as part of a predisposition screen in an ostensibly healthy population. It had not been previously curated by ICSL or reported in the Human Gene Mutation Database (HGMD: prior to June 1st, 2018), and was therefore a candidate for classification through an automated scoring system. Utilizing variant allele frequency, disease prevalence and penetrance estimates, and inheritance mode, an automated score was calculated to assess if this variant is too frequent to cause the disease. Based on the score and internal cut-off values, a variant classified as benign is not then subjected to further curation. The score for this variant resulted in a classification of benign for this disease.

Illumina Laboratory Services, Illumina
Classification: Likely benign for Renal tubular dysgenesis of genetic origin. Last evaluated: 2018-01-13. Review status: criteria provided, single submitter. Criteria: ICSL Variant Classification Criteria 13 December 2019. Collection method: clinical testing. Allele origin: germline.
Comment: This variant was observed in the ICSL laboratory as part of a predisposition screen in an ostensibly healthy population. It had not been previously curated by ICSL or reported in the Human Gene Mutation Database (HGMD: prior to June 1st, 2018), and was therefore a candidate for classification through an automated scoring system. Utilizing variant allele frequency, disease prevalence and penetrance estimates, and inheritance mode, an automated score was calculated to assess if this variant is too frequent to cause the disease. Based on the score and internal cut-off values, a variant classified as likely benign is not then subjected to further curation. The score for this variant resulted in a classification of likely benign for this disease.

Breakthrough Genomics
Classification: Likely benign. Review status: criteria provided, single submitter. Criteria: ACMG Guidelines, 2015. Collection method: not provided. Allele origin: germline. Inheritance: Autosomal recessive inheritance. Affected: yes.

PreventionGenetics, part of Exact Sciences
Classification: Likely benign for REN-related condition. Last evaluated: 2019-04-12. Review status: no assertion criteria provided. Collection method: clinical testing. Allele origin: germline. Not counted in ClinVar's aggregate classification.
Comment: This variant is classified as likely benign based on ACMG/AMP sequence variant interpretation guidelines (Richards et al. 2015 PMID: 25741868, with internal and published modifications).

NM_000537.4(REN):c.22C>G (p.Pro8Ala)

Genes: REN (renin; minus strand), LOC107548112 (REN promoter and enhancer region; plus strand). Cytogenetic location: 1q32.1.
Variant type: single nucleotide variant.
Coding change: c.22C>G on transcript NM_000537.4 (MANE Select); coding-DNA position 22, C replaced by G.
Protein change: p.Pro8Ala; replaces proline 8 with alanine.
Molecular consequence: missense variant.
Genome position (GRCh38, 1-based): chr1:204,166,272, G>C on the plus strand (C>G on the coding strand, the complement: REN is on the minus strand). VCF-style: chr1-204166272-G-C. GRCh37 (hg19) VCF-style: chr1-204135400-G-C.
Other names: short protein forms P8A.
Identifiers: ClinVar variation 294964 (VCV000294964.24), dbSNP rs61746500, ClinGen allele CA1345089.